The following is an entry in ClinVar:

ClinVar aggregate classification (germline): Uncertain significance (1 of 4 stars; one submission).

Submission:

Mayo Clinic Laboratories, Mayo Clinic
Classification: Uncertain significance. Last evaluated: 2023-02-07. Review status: criteria provided, single submitter. Criteria: ACMG Guidelines, 2015. Collection method: clinical testing. Allele origin: germline. Observed: 1 variant allele.
Comment: PM2, PVS1

NM_000447.3(PSEN2):c.292_293del (p.Cys98fs)

Gene: PSEN2 (presenilin 2; plus strand). Cytogenetic location: 1q42.13.
Variant type: Microsatellite.
Coding change: c.292_293del on transcript NM_000447.3 (MANE Select); coding-DNA positions 292 to 293, 2 bases deleted (TG; older notation c.292_293delTG).
Protein change: p.Cys98fs; shifts the reading frame from cysteine 98.
Molecular consequence: frameshift variant.
Genome position (GRCh38, 1-based): chr1:226,883,855-226,883,856, TG deleted; deleting any 2 consecutive bases within chr1:226,883,853-226,883,856 gives the same sequence; the c. name uses the placement nearest the transcript's 3' end. VCF-style (leftmost placement, unchanged base first): chr1-226883852-CTG-C. GRCh37 (hg19) VCF-style: chr1-227071553-CTG-C.
Other names: p.Cys98Hisfs*28; c.292_293del, p.Cys98fs (NM_012486.3); short protein forms C98fs.
Identifiers: ClinVar variation 2682720 (VCV002682720.1), dbSNP rs2527952323, ClinGen allele CA2650785267.